The following is an entry in ClinVar:

ClinVar aggregate classification (germline): Uncertain significance (1 of 4 stars; one submission).

Conditions:
Primary dilated cardiomyopathy (DCM). Also called: Dilated Cardiomyopathy. Identifiers: Orphanet 217604, MedGen C0007193, MeSH D002311, MONDO:0005021, HP:0001644. Inheritance: Various modes of inheritance.

Allele frequency attached by ClinVar (database versions not stated): TOPMed below 0.00001; gnomAD 0.00001.
gnomAD v4.1: 7 of 1,613,942 alleles (0.00043%); highest among the groups gnomAD compares: Non-Finnish European, 0.00059%; no homozygotes.

Submission:

Labcorp Genetics (formerly Invitae), Labcorp
Classification: Uncertain significance for Primary dilated cardiomyopathy. Last evaluated: 2022-04-13. Review status: criteria provided, single submitter. Criteria: Invitae Variant Classification Sherloc (09022015). Collection method: clinical testing. Allele origin: germline.
Comment: In summary, the available evidence is currently insufficient to determine the role of this variant in disease. Therefore, it has been classified as a Variant of Uncertain Significance. Algorithms developed to predict the effect of missense changes on protein structure and function are either unavailable or do not agree on the potential impact of this missense change (SIFT: "Deleterious"; PolyPhen-2: "Benign"; Align-GVGD: "Class C0"). This variant has not been reported in the literature in individuals affected with NEBL-related conditions. This variant is not present in population databases (gnomAD no frequency). This sequence change replaces alanine, which is neutral and non-polar, with glycine, which is neutral and non-polar, at codon 140 of the NEBL protein (p.Ala140Gly).

NM_006393.3(NEBL):c.419C>G (p.Ala140Gly)

Gene: NEBL (nebulette; minus strand). Cytogenetic location: 10p12.31.
Variant type: single nucleotide variant.
Coding change: c.419C>G on transcript NM_006393.3 (MANE Select); coding-DNA position 419, C replaced by G.
Protein change: p.Ala140Gly; replaces alanine 140 with glycine.
Molecular consequence: missense variant. On other transcripts: intron variant (9).
Genome position (GRCh38, 1-based): chr10:20,880,855, G>C on the plus strand (C>G on the coding strand, the complement: NEBL is on the minus strand). VCF-style: chr10-20880855-G-C. GRCh37 (hg19) VCF-style: chr10-21169784-G-C.
Other names: c.250-67915C>G (NM_001377326.1, NM_001377327.1, NM_001377328.1); c.358-67915C>G (NM_213569.2, NM_001173484.2, NM_001377322.1); c.301-67915C>G (NM_001377324.1); c.292-67915C>G (NM_001377325.1); c.310-67915C>G (NM_001377323.1); short protein forms A140G.
Identifiers: ClinVar variation 2068994 (VCV002068994.4), dbSNP rs1564415688, ClinGen allele CA376104595.
Genomic context (GRCh38, chr10:20,880,855, plus strand): 5'-TTACTCTGGTGTTTATTGACCTCCATGGCATGTTTAACCTCAGGGGGCTCCTTCATGTGG[G>C]CATAATCTGAGAATCCTTTGGCAGCATCATGTTTCTGCTTGTAGGCCACCTGAAAAACAC-3'
Protein context (NP_006384.1, residues 130-150): HDAAKGFSDY[Ala140Gly]HMKEPPEVKH